The following is an entry in ClinVar:

NM_020693.4(DSCAML1):c.791G>A (p.Arg264Gln)

Gene: DSCAML1 (DS cell adhesion molecule like 1; minus strand). Cytogenetic location: 11q23.3.
Variant type: single nucleotide variant.
Coding change: c.791G>A on transcript NM_020693.4 (MANE Select); coding-DNA position 791, G replaced by A.
Protein change: p.Arg264Gln; replaces arginine 264 with glutamine.
Molecular consequence: missense variant.
Genome position (GRCh38, 1-based): chr11:117,524,951, C>T on the plus strand (G>A on the coding strand, the complement: DSCAML1 is on the minus strand). VCF-style: chr11-117524951-C-T. GRCh37 (hg19) VCF-style: chr11-117395666-C-T.
Other names: c.791G>A, p.Arg264Gln (NM_001367904.1); c.383G>A, p.Arg128Gln (NM_001367905.1); short protein forms R264Q, R128Q.
Identifiers: ClinVar variation 2532775 (VCV002532775.5), dbSNP rs1485165144, ClinGen allele CA382749602.
Genomic context (GRCh38, chr11:117,524,951, plus strand): 5'-AAGTCGCTGATGGTCAGCCCTGTGATGCGCTTGGTCCAGCGGCTGTCAGCCGGGAGGGGC[C>T]GGCCATCCTTGAGCCAGCGGATGGCGGGGATAGGGTAGCCCGAGGCGGTGCAGGGCAGCT-3'
Protein context (NP_065744.3, residues 254-274): IPAIRWLKDG[Arg264Gln]PLPADSRWTK

ClinVar aggregate classification (germline): Uncertain significance. Review status: criteria provided, multiple submitters, no conflicts (2 of 4 stars). 2 submissions from 2 submitters: Uncertain significance (2). Last evaluated 2025-05-12.

Allele frequency attached by ClinVar (database versions not stated): gnomAD exomes 0.00001; TOPMed 0.00002; gnomAD 0.00003.
gnomAD v4.1: 17 of 1,613,448 alleles (0.0011%); highest among the groups gnomAD compares: African/African-American, 0.0067%; no homozygotes.

Submissions (2):

Labcorp Genetics (formerly Invitae), Labcorp
Classification: Uncertain significance. Last evaluated: 2025-05-12. Review status: criteria provided, single submitter. Criteria: Invitae Variant Classification Sherloc (09022015). Collection method: clinical testing. Allele origin: germline.
Comment: This sequence change replaces arginine, which is basic and polar, with glutamine, which is neutral and polar, at codon 324 of the DSCAML1 protein (p.Arg324Gln). This variant is present in population databases (no rsID available, gnomAD 0.007%). This variant has not been reported in the literature in individuals affected with DSCAML1-related conditions. ClinVar contains an entry for this variant (Variation ID: 2532775). An algorithm developed to predict the effect of missense changes on protein structure and function (PolyPhen-2) suggests that this variant is likely to be disruptive. In summary, the available evidence is currently insufficient to determine the role of this variant in disease. Therefore, it has been classified as a Variant of Uncertain Significance.

Ambry Genetics
Classification: Uncertain significance. Last evaluated: 2023-04-04. Review status: criteria provided, single submitter. Criteria: Ambry Variant Classification Scheme 2023. Collection method: clinical testing. Allele origin: germline.